The following is an entry in ClinVar:

NM_000051.4(ATM):c.3907_3925del (p.Thr1303fs)

Gene: ATM (ATM serine/threonine kinase; plus strand). Cytogenetic location: 11q22.3.
Variant type: Deletion.
Coding change: c.3907_3925del on transcript NM_000051.4 (MANE Select); coding-DNA positions 3907 to 3925, 19 bases deleted (ACCAGAGACAGTGGGATGG).
Protein change: p.Thr1303fs; shifts the reading frame from threonine 1303.
Molecular consequence: frameshift variant.
Genome position (GRCh38, 1-based): chr11:108,284,387-108,284,405, ACCAGAGACAGTGGGATGG deleted. VCF-style (leftmost placement, unchanged base first): chr11-108284386-TACCAGAGACAGTGGGATGG-T. GRCh37 (hg19) VCF-style: chr11-108155113-TACCAGAGACAGTGGGATGG-T.
Other names: c.3907_3925del, p.Thr1303fs (NM_001351834.2); short protein forms T1303fs.
Identifiers: ClinVar variation 1736065 (VCV001736065.2), dbSNP rs2546887378, ClinGen allele CA2580083296.
Genomic context (GRCh38, chr11:108,284,386, plus strand): 5'-TCTAACAGACTGCTTTCCAAAGATTCTTGTAAATATTCTTCCTTATTTTGCCTATGAGGG[TACCAGAGACAGTGGGATGG>T]CACAGCAAAGAGAGACTGCTACCAAGGTCTATGATATGCTTAAAAGTGAAAACTTATTGG-3'

ClinVar aggregate classification (germline): Pathogenic (1 of 4 stars; one submission).

Conditions:
Hereditary cancer-predisposing syndrome. Also called: Neoplastic Syndromes, Hereditary; Tumor predisposition; Hereditary Cancer Syndrome; Hereditary neoplastic syndrome. Identifiers: Orphanet 140162, MedGen C0027672, MeSH D009386, MONDO:0015356.

Submission:

Ambry Genetics
Classification: Pathogenic for Hereditary cancer-predisposing syndrome. Last evaluated: 2020-09-09. Review status: criteria provided, single submitter. Criteria: Ambry Variant Classification Scheme 2023. Collection method: clinical testing. Allele origin: germline.
Comment: The c.3907_3925del19 pathogenic mutation, located in coding exon 25 of the ATM gene, results from a deletion of 19 nucleotides at nucleotide positions 3907 to 3925, causing a translational frameshift with a predicted alternate stop codon (p.T1303Hfs*40). This alteration is expected to result in loss of function by premature protein truncation or nonsense-mediated mRNA decay. As such, this alteration is interpreted as a disease-causing mutation.